The following is an entry in ClinVar:

NM_001142864.4(PIEZO1):c.5663C>T (p.Ala1888Val)

Gene: PIEZO1 (piezo type mechanosensitive ion channel component 1 (Er blood group); minus strand). Cytogenetic location: 16q24.3.
Variant type: single nucleotide variant.
Coding change: c.5663C>T on transcript NM_001142864.4 (MANE Select); coding-DNA position 5663, C replaced by T.
Protein change: p.Ala1888Val; replaces alanine 1888 with valine.
Molecular consequence: missense variant.
Genome position (GRCh38, 1-based): chr16:88,721,171, G>A on the plus strand (C>T on the coding strand, the complement: PIEZO1 is on the minus strand). VCF-style: chr16-88721171-G-A. GRCh37 (hg19) VCF-style: chr16-88787579-G-A.
Other names: short protein forms A1888V.
Identifiers: ClinVar variation 3607361 (VCV003607361.2).

ClinVar aggregate classification (germline): Uncertain significance (1 of 4 stars; one submission).

gnomAD v4.1: 3 of 1,502,864 alleles (0.0002%); highest among the groups gnomAD compares: Non-Finnish European, 0.00018%; no homozygotes.

Submission:

Labcorp Genetics (formerly Invitae), Labcorp
Classification: Uncertain significance. Last evaluated: 2025-01-07. Review status: criteria provided, single submitter. Criteria: Invitae Variant Classification Sherloc (09022015). Collection method: clinical testing. Allele origin: germline.
Comment: This sequence change replaces alanine, which is neutral and non-polar, with valine, which is neutral and non-polar, at codon 1888 of the PIEZO1 protein (p.Ala1888Val). This variant is not present in population databases (gnomAD no frequency). This variant has not been reported in the literature in individuals affected with PIEZO1-related conditions. Invitae Evidence Modeling of protein sequence and biophysical properties (such as structural, functional, and spatial information, amino acid conservation, physicochemical variation, residue mobility, and thermodynamic stability) indicates that this missense variant is not expected to disrupt PIEZO1 protein function with a negative predictive value of 95%. In summary, the available evidence is currently insufficient to determine the role of this variant in disease. Therefore, it has been classified as a Variant of Uncertain Significance.